The following is an entry in ClinVar:

ClinVar aggregate classification (germline): Uncertain significance (1 of 4 stars; one submission).

Allele frequency attached by ClinVar (database versions not stated): ExAC 0.00096; ESP Exome Variant Server 0.00123.
gnomAD v4.1: 2,056 of 1,614,062 alleles (0.13%); highest among the groups gnomAD compares: Non-Finnish European, 0.16%; 1 homozygote.

Submission:

Labcorp Genetics (formerly Invitae), Labcorp
Classification: Uncertain significance. Last evaluated: 2025-07-21. Review status: criteria provided, single submitter. Criteria: Invitae Variant Classification Sherloc (09022015). Collection method: clinical testing. Allele origin: germline.
Comment: This sequence change replaces isoleucine, which is neutral and non-polar, with leucine, which is neutral and non-polar, at codon 205 of the AASS protein (p.Ile205Leu). This variant is present in population databases (rs147034804, gnomAD 0.2%), and has an allele count higher than expected for a pathogenic variant. This variant has not been reported in the literature in individuals affected with AASS-related conditions. ClinVar contains an entry for this variant (Variation ID: 2043648). Invitae Evidence Modeling of protein sequence and biophysical properties (such as structural, functional, and spatial information, amino acid conservation, physicochemical variation, residue mobility, and thermodynamic stability) indicates that this missense variant is not expected to disrupt AASS protein function with a negative predictive value of 80%. In summary, the available evidence is currently insufficient to determine the role of this variant in disease. Therefore, it has been classified as a Variant of Uncertain Significance.

NM_005763.4(AASS):c.613A>T (p.Ile205Leu)

Gene: AASS (aminoadipate-semialdehyde synthase; minus strand). Cytogenetic location: 7q31.32.
Variant type: single nucleotide variant.
Coding change: c.613A>T on transcript NM_005763.4 (MANE Select); coding-DNA position 613, A replaced by T.
Protein change: p.Ile205Leu; replaces isoleucine 205 with leucine.
Molecular consequence: missense variant.
Genome position (GRCh38, 1-based): chr7:122,118,381, T>A on the plus strand (A>T on the coding strand, the complement: AASS is on the minus strand). VCF-style: chr7-122118381-T-A. GRCh37 (hg19) VCF-style: chr7-121758435-T-A.
Other names: short protein forms I205L.
Identifiers: ClinVar variation 2043648 (VCV002043648.2), dbSNP rs147034804, ClinGen allele CA4458591.
Genomic context (GRCh38, chr7:122,118,381, plus strand): 5'-CAGTTCCTGTGAACACAAATGTTAAGGGTCCTATTGACTTAGGCATCAAACCCAAAGATA[T>A]TTCATAGCCAGCATCACGGACAGCTTGCACAGCCTGACTGCTATTCCTGTAGTTATGAGC-3'
Protein context (NP_005754.2, residues 195-215): VQAVRDAGYE[Ile205Leu]SLGLMPKSIG